The following is an entry in ClinVar:

NM_001035.3(RYR2):c.2396+17T>G

Gene: RYR2 (ryanodine receptor 2; plus strand). Cytogenetic location: 1q43.
Variant type: single nucleotide variant.
Coding change: c.2396+17T>G on transcript NM_001035.3 (MANE Select); 17 bases into the intron after coding-DNA position 2396, T replaced by G.
Molecular consequence: intron variant.
Genome position (GRCh38, 1-based): chr1:237,500,920, T>G. VCF-style: chr1-237500920-T-G. GRCh37 (hg19) VCF-style: chr1-237664220-T-G.
Other names: c.2396+17T>G (LRG_402t1).
Identifiers: ClinVar variation 506749 (VCV000506749.21), dbSNP rs376363428, ClinGen allele CA086029.

ClinVar aggregate classification (germline): Benign/Likely benign. Review status: criteria provided, multiple submitters, no conflicts (2 of 4 stars). 6 submissions from 6 submitters: Benign (3); Likely benign (3). Last evaluated 2026-01-31.

Conditions:
Arrhythmogenic right ventricular dysplasia 2. Identifiers: MedGen C1832931.
Catecholaminergic polymorphic ventricular tachycardia 1. Also called: RYR2-Related Catecholaminergic Polymorphic Ventricular Tachycardia; VENTRICULAR TACHYCARDIA, STRESS-INDUCED POLYMORPHIC 1; VENTRICULAR TACHYCARDIA, CATECHOLAMINERGIC POLYMORPHIC, 1, WITH OR WITHOUT ATRIAL DYSFUNCTION AND/OR DILATED CARDIOMYOPATHY. Identifiers: Orphanet 3286, MedGen C1631597, MONDO:0011484, OMIM 604772.
Ventricular arrhythmias due to cardiac ryanodine receptor calcium release deficiency syndrome. Also called: Autosomal dominant cardiac arrhythmia (Kuhn). Identifiers: MedGen C5542154, MONDO:0020745, OMIM 115000.

Allele frequency attached by ClinVar (database versions not stated): gnomAD exomes 0.00018 and 0.00050; ExAC 0.00052; 1000 Genomes Project 0.00080; 1000 Genomes Project 30x 0.00109; ESP Exome Variant Server 0.00150; gnomAD 0.00184 and 0.00207; TOPMed 0.00195.
gnomAD v4.1: 558 of 1,612,002 alleles (0.035%); highest among the groups gnomAD compares: African/African-American, 0.66%; 8 homozygotes.

Submissions (6):

Labcorp Genetics (formerly Invitae), Labcorp
Classification: Benign for Catecholaminergic polymorphic ventricular tachycardia 1. Last evaluated: 2026-01-31. Review status: criteria provided, single submitter. Criteria: Invitae Variant Classification Sherloc (09022015). Collection method: clinical testing. Allele origin: germline.

ARUP Laboratories, Molecular Genetics and Genomics, ARUP Laboratories
Classification: Benign. Last evaluated: 2025-07-08. Review status: criteria provided, single submitter. Criteria: ARUP Molecular Germline Variant Investigation Process 2024. Collection method: clinical testing. Allele origin: germline.

Blueprint Genetics
Classification: Likely benign. Last evaluated: 2024-10-07. Review status: criteria provided, single submitter. Criteria: ACMG Guidelines, 2015. Collection method: clinical testing. Allele origin: germline.

Fulgent Genetics
Classification: Likely benign for Ventricular arrhythmias due to cardiac ryanodine receptor calcium release deficiency syndrome; Catecholaminergic polymorphic ventricular tachycardia 1. Last evaluated: 2021-08-25. Review status: criteria provided, single submitter. Criteria: ACMG Guidelines, 2015. Collection method: clinical testing. Allele origin: unknown.

Women's Health and Genetics/Laboratory Corporation of America, LabCorp
Classification: Benign. Last evaluated: 2021-03-15. Review status: criteria provided, single submitter. Criteria: LabCorp Variant Classification Summary - May 2015. Collection method: clinical testing. Allele origin: germline.
Comment: Variant summary: RYR2 c.2396+17T>G alters a non-conserved nucleotide located close to a canonical splice site and therefore could affect mRNA splicing, leading to a significantly altered protein sequence. 4/4 computational tools predict no significant impact on normal splicing. However, these predictions have yet to be confirmed by functional studies. The variant allele was found at a frequency of 0.0005 in 249012 control chromosomes. The observed variant frequency is approximately 14 fold of the estimated maximal expected allele frequency for a pathogenic variant in RYR2 causing Catecholaminergic Polymorphic Ventricular Tachycardia phenotype (3.4e-05), strongly suggesting that the variant is benign. To our knowledge, no occurrence of c.2396+17T>G in individuals affected with Catecholaminergic Polymorphic Ventricular Tachycardia and no experimental evidence demonstrating its impact on protein function have been reported. Two clinical diagnostic laboratories have submitted clinical-significance assessments for this variant to ClinVar after 2014 without evidence for independent evaluation. Both laboratories classified the variant as likely benign. Based on the evidence outlined above, the variant was classified as benign.

GeneDx
Classification: Likely benign. Last evaluated: 2018-01-11. Review status: criteria provided, single submitter. Criteria: GeneDx Variant Classification (06012015). Collection method: clinical testing. Allele origin: germline. Affected: yes.
Comment: This variant is considered likely benign or benign based on one or more of the following criteria: it is a conservative change, it occurs at a poorly conserved position in the protein, it is predicted to be benign by multiple in silico algorithms, and/or has population frequency not consistent with disease.